The following is an entry in ClinVar:

NM_198253.3(TERT):c.1231A>G (p.Thr411Ala)

Gene: TERT (telomerase reverse transcriptase; minus strand). Cytogenetic location: 5p15.33.
Variant type: single nucleotide variant.
Coding change: c.1231A>G on transcript NM_198253.3 (MANE Select); coding-DNA position 1231, A replaced by G.
Protein change: p.Thr411Ala; replaces threonine 411 with alanine.
Molecular consequence: missense variant. On other transcripts: non-coding transcript variant (2).
Genome position (GRCh38, 1-based): chr5:1,293,655, T>C on the plus strand (A>G on the coding strand, the complement: TERT is on the minus strand). VCF-style: chr5-1293655-T-C. GRCh37 (hg19) VCF-style: chr5-1293770-T-C.
Other names: c.1231A>G, p.Thr411Ala (NM_001193376.3, NM_003219.1); short protein forms T411A.
Identifiers: ClinVar variation 1755638 (VCV001755638.8), dbSNP rs1751147758, ClinGen allele CA359086475.
Genomic context (GRCh38, chr5:1,293,655, plus strand): 5'-GCTTCTCCCGGGCACAGACACCGGCTGCTGGGGTGACCGCAGCTCGCAGCGGGCAGTGCG[T>C]CTTGAGGAGCACCCCGTAGGGGCACTGCGCGTGGTTCCCAAGCAGCTCCAGAAACAGGGG-3'
Protein context (NP_937983.2, residues 401-421): AQCPYGVLLK[Thr411Ala]HCPLRAAVTP

ClinVar aggregate classification (germline): Uncertain significance. Review status: criteria provided, multiple submitters, no conflicts (2 of 4 stars). 2 submissions from 2 submitters: Uncertain significance (2). Last evaluated 2023-06-29.

Conditions:
Dyskeratosis congenita, autosomal dominant 2. Identifiers: MedGen C3151443, MONDO:0013521, OMIM 613989.
Idiopathic Pulmonary Fibrosis. Also called: Idiopathic fibrosing alveolitis, chronic form; idiopathic fibrosing alveolitis. Identifiers: Orphanet 2032, MedGen C1800706, MeSH D054990, MONDO:0800504.
Dyskeratosis congenita. Identifiers: Orphanet 1775, MedGen C0265965, MONDO:0015780.

Submissions (2):

Labcorp Genetics (formerly Invitae), Labcorp
Classification: Uncertain significance for Dyskeratosis congenita, autosomal dominant 2; Idiopathic Pulmonary Fibrosis. Last evaluated: 2023-06-29. Review status: criteria provided, single submitter. Criteria: Invitae Variant Classification Sherloc (09022015). Collection method: clinical testing. Allele origin: germline.
Comment: ClinVar contains an entry for this variant (Variation ID: 1755638). This variant has not been reported in the literature in individuals affected with TERT-related conditions. This variant is not present in population databases (gnomAD no frequency). This sequence change replaces threonine, which is neutral and polar, with alanine, which is neutral and non-polar, at codon 411 of the TERT protein (p.Thr411Ala). In summary, the available evidence is currently insufficient to determine the role of this variant in disease. Therefore, it has been classified as a Variant of Uncertain Significance. Advanced modeling of protein sequence and biophysical properties (such as structural, functional, and spatial information, amino acid conservation, physicochemical variation, residue mobility, and thermodynamic stability) performed at Invitae indicates that this missense variant is not expected to disrupt TERT protein function.

Ambry Genetics
Classification: Uncertain significance for Dyskeratosis congenita. Last evaluated: 2022-10-31. Review status: criteria provided, single submitter. Criteria: Ambry Variant Classification Scheme 2023. Collection method: clinical testing. Allele origin: germline.
Comment: The p.T411A variant (also known as c.1231A>G), located in coding exon 2 of the TERT gene, results from an A to G substitution at nucleotide position 1231. The threonine at codon 411 is replaced by alanine, an amino acid with similar properties. This amino acid position is conserved. In addition, this alteration is predicted to be tolerated by in silico analysis. Since supporting evidence is limited at this time, the clinical significance of this alteration remains unclear.